The following is an entry in ClinVar:

NM_000245.4(MET):c.1120T>C (p.Phe374Leu)

Gene: MET (MET proto-oncogene, receptor tyrosine kinase; plus strand). Cytogenetic location: 7q31.2.
Variant type: single nucleotide variant.
Coding change: c.1120T>C on transcript NM_000245.4 (MANE Select); coding-DNA position 1120, T replaced by C.
Protein change: p.Phe374Leu; replaces phenylalanine 374 with leucine.
Molecular consequence: missense variant. On other transcripts: intron variant (1).
Genome position (GRCh38, 1-based): chr7:116,700,204, T>C. VCF-style: chr7-116700204-T-C. GRCh37 (hg19) VCF-style: chr7-116340258-T-C.
Other names: c.1120T>C, p.Phe374Leu (NM_001127500.3, NM_001324401.3); c.-91+27627T>C (NM_001324402.2); short protein forms F374L.
Identifiers: ClinVar variation 5024398 (VCV005024398.1).

ClinVar aggregate classification (germline): Uncertain significance (1 of 4 stars; one submission).

Conditions:
Hereditary cancer-predisposing syndrome. Also called: Neoplastic Syndromes, Hereditary; Tumor predisposition; Hereditary neoplastic syndrome; Hereditary Cancer Syndrome. Identifiers: Orphanet 140162, MedGen C0027672, MeSH D009386, MONDO:0015356.

gnomAD v4.1: 2 of 1,593,814 alleles (0.00013%); highest among the groups gnomAD compares: Non-Finnish European, 0.00017%; no homozygotes.

Submission:

Ambry Genetics
Classification: Uncertain significance for Hereditary cancer-predisposing syndrome. Last evaluated: 2026-07-07. Review status: criteria provided, single submitter. Criteria: Ambry Variant Classification Scheme 2023. Collection method: clinical testing. Allele origin: germline.
Comment: The p.F374L variant (also known as c.1120T>C), located in coding exon 1 of the MET gene, results from a T to C substitution at nucleotide position 1120. The phenylalanine at codon 374 is replaced by leucine, an amino acid with highly similar properties. This amino acid position is conserved. In addition, the in silico prediction for this alteration is inconclusive. Based on the available evidence, the clinical significance of this variant remains unclear.